The following is an entry in ClinVar:

NM_024675.4(PALB2):c.1480A>C (p.Thr494Pro)

Gene: PALB2 (partner and localizer of BRCA2; minus strand). Cytogenetic location: 16p12.2.
Variant type: single nucleotide variant.
Coding change: c.1480A>C on transcript NM_024675.4 (MANE Select); coding-DNA position 1480, A replaced by C.
Protein change: p.Thr494Pro; replaces threonine 494 with proline.
Molecular consequence: missense variant.
Genome position (GRCh38, 1-based): chr16:23,635,066, T>G on the plus strand (A>C on the coding strand, the complement: PALB2 is on the minus strand). VCF-style: chr16-23635066-T-G. GRCh37 (hg19) VCF-style: chr16-23646387-T-G.
Other names: short protein forms T494P.
Identifiers: ClinVar variation 482056 (VCV000482056.8), dbSNP rs1555461258, ClinGen allele CA395131133.

ClinVar aggregate classification (germline): Uncertain significance. Review status: criteria provided, multiple submitters, no conflicts (2 of 4 stars). 2 submissions from 2 submitters: Uncertain significance (2). Last evaluated 2023-06-21.

Conditions:
Hereditary cancer-predisposing syndrome. Also called: Neoplastic Syndromes, Hereditary; Tumor predisposition; Hereditary Cancer Syndrome; Hereditary neoplastic syndrome. Identifiers: Orphanet 140162, MedGen C0027672, MeSH D009386, MONDO:0015356.
Familial cancer of breast. Also called: BREAST CANCER, FAMILIAL; Hereditary breast cancer; hereditary breast carcinoma. Identifiers: Orphanet 227535, MedGen C0346153, MONDO:0016419, OMIM 114480. Disease mechanism: loss of function.

Submissions (2):

Labcorp Genetics (formerly Invitae), Labcorp
Classification: Uncertain significance for Familial cancer of breast. Last evaluated: 2023-06-21. Review status: criteria provided, single submitter. Criteria: Invitae Variant Classification Sherloc (09022015). Collection method: clinical testing. Allele origin: germline.
Comment: This sequence change replaces threonine, which is neutral and polar, with proline, which is neutral and non-polar, at codon 494 of the PALB2 protein (p.Thr494Pro). In summary, the available evidence is currently insufficient to determine the role of this variant in disease. Therefore, it has been classified as a Variant of Uncertain Significance. Advanced modeling of protein sequence and biophysical properties (such as structural, functional, and spatial information, amino acid conservation, physicochemical variation, residue mobility, and thermodynamic stability) performed at Invitae indicates that this missense variant is not expected to disrupt PALB2 protein function. ClinVar contains an entry for this variant (Variation ID: 482056). This variant has not been reported in the literature in individuals affected with PALB2-related conditions. This variant is not present in population databases (gnomAD no frequency).

Ambry Genetics
Classification: Uncertain significance for Hereditary cancer-predisposing syndrome. Last evaluated: 2017-02-27. Review status: criteria provided, single submitter. Criteria: Ambry Variant Classification Scheme 2023. Collection method: clinical testing. Allele origin: germline.
Comment: The p.T494P variant (also known as c.1480A>C), located in coding exon 4 of the PALB2 gene, results from an A to C substitution at nucleotide position 1480. The threonine at codon 494 is replaced by proline, an amino acid with highly similar properties. This amino acid position is poorly conserved in available vertebrate species. In addition, this alteration is predicted to be tolerated by in silico analysis. Since supporting evidence is limited at this time, the clinical significance of this alteration remains unclear.